The following is an entry in ClinVar:

NM_000059.4(BRCA2):c.1693_1696del (p.Ala565fs)

Gene: BRCA2 (BRCA2 DNA repair associated; plus strand). Cytogenetic location: 13q13.1.
Variant type: Microsatellite.
Coding change: c.1693_1696del on transcript NM_000059.4 (MANE Select); coding-DNA positions 1693 to 1696, 4 bases deleted (GCCA; older notation c.1693_1696delGCCA).
Protein change: p.Ala565fs; shifts the reading frame from alanine 565.
Molecular consequence: frameshift variant.
Genome position (GRCh38, 1-based): chr13:32,333,171-32,333,174, GCCA deleted; deleting any 4 consecutive bases within chr13:32,333,167-32,333,174 gives the same sequence; the c. name uses the placement nearest the transcript's 3' end. VCF-style (leftmost placement, unchanged base first): chr13-32333166-GGCCA-G. GRCh37 (hg19) VCF-style: chr13-32907303-GGCCA-G.
Other names: 1921_1924delGCCA; c.1693_1696del (NM_000059.3); short protein forms A565fs.
Identifiers: ClinVar variation 266653 (VCV000266653.5), dbSNP rs886040382, ClinGen allele CA10589112.

ClinVar aggregate classification (germline): Pathogenic. Review status: reviewed by expert panel (3 of 4 stars). 2 submissions from 2 submitters: Pathogenic (1). 1 of the submissions does not count toward it. Last evaluated 2016-10-18.

Conditions:
Breast-ovarian cancer, familial, susceptibility to, 2 (BROVCA2). Also called: BRCA2 Hereditary Breast and Ovarian Cancer. Identifiers: Orphanet 145, MedGen C2675520, MONDO:0012933, OMIM 612555. Disease mechanism: loss of function.

Submissions (2):

Evidence-based Network for the Interpretation of Germline Mutant Alleles (ENIGMA)
Classification: Pathogenic for Breast-ovarian cancer, familial, susceptibility to, 2. Last evaluated: 2016-10-18. Review status: reviewed by expert panel. Criteria: ENIGMA BRCA1/2 Classification Criteria (2015). Collection method: curation. Allele origin: germline.
Comment: Variant allele predicted to encode a truncated non-functional protein.

Consortium of Investigators of Modifiers of BRCA1/2 (CIMBA), c/o University of Cambridge
Classification: Pathogenic for Breast-ovarian cancer, familial, susceptibility to, 2. Last evaluated: 2015-10-02. Review status: criteria provided, single submitter. Criteria: CIMBA Mutation Classification guidelines May 2016. Collection method: clinical testing. Allele origin: germline. Not counted in ClinVar's aggregate classification.